The following is an entry in ClinVar:

ClinVar aggregate classification (germline): Uncertain significance (1 of 4 stars; one submission).

Conditions:
Hereditary cancer-predisposing syndrome. Also called: Neoplastic Syndromes, Hereditary; Tumor predisposition; Hereditary neoplastic syndrome; Hereditary Cancer Syndrome. Identifiers: Orphanet 140162, MedGen C0027672, MeSH D009386, MONDO:0015356.

Submission:

Ambry Genetics
Classification: Uncertain significance for Hereditary cancer-predisposing syndrome. Last evaluated: 2019-06-05. Review status: criteria provided, single submitter. Criteria: Ambry Variant Classification Scheme 2023. Collection method: clinical testing. Allele origin: germline.
Comment: The p.E24K variant (also known as c.70G>A), located in coding exon 2 of the CDH1 gene, results from a G to A substitution at nucleotide position 70. The glutamic acid at codon 24 is replaced by lysine, an amino acid with similar properties. This amino acid position is well conserved in available vertebrate species. In addition, this alteration is predicted to be tolerated by in silico analysis. Since supporting evidence is limited at this time, the clinical significance of this alteration remains unclear.

NM_004360.5(CDH1):c.70G>A (p.Glu24Lys)

Gene: CDH1 (cadherin 1; plus strand). Cytogenetic location: 16q22.1.
Variant type: single nucleotide variant.
Coding change: c.70G>A on transcript NM_004360.5 (MANE Select); coding-DNA position 70, G replaced by A.
Protein change: p.Glu24Lys; replaces glutamic acid 24 with lysine.
Molecular consequence: missense variant. On other transcripts: 5 prime UTR variant (2).
Genome position (GRCh38, 1-based): chr16:68,738,318, G>A. VCF-style: chr16-68738318-G-A. GRCh37 (hg19) VCF-style: chr16-68772221-G-A.
Other names: c.70G>A, p.Glu24Lys (NM_001317184.2); c.-1546G>A (NM_001317185.2); c.-1750G>A (NM_001317186.2); short protein forms E24K.
Identifiers: ClinVar variation 826837 (VCV000826837.4), dbSNP rs121964876, ClinGen allele CA396451711.